The following is an entry in ClinVar:

NM_001378454.1(ALMS1):c.9856C>G (p.Pro3286Ala)

Gene: ALMS1 (ALMS1 centrosome and basal body associated protein; plus strand). Cytogenetic location: 2p13.1.
Variant type: single nucleotide variant.
Coding change: c.9856C>G on transcript NM_001378454.1 (MANE Select); coding-DNA position 9856, C replaced by G.
Protein change: p.Pro3286Ala; replaces proline 3286 with alanine.
Molecular consequence: missense variant.
Genome position (GRCh38, 1-based): chr2:73,534,898, C>G. VCF-style: chr2-73534898-C-G. GRCh37 (hg19) VCF-style: chr2-73762025-C-G.
Other names: c.9859C>G, p.Pro3287Ala (NM_015120.4); short protein forms P3286A, P3287A.
Identifiers: ClinVar variation 1700552 (VCV001700552.2), dbSNP rs762224373, ClinGen allele CA347263711.

ClinVar aggregate classification (germline): Uncertain significance (1 of 4 stars; one submission).

gnomAD v4.1: 1 of 1,613,726 alleles (0.000062%); highest among the groups gnomAD compares: Non-Finnish European, 0.000085%; no homozygotes.

Submission:

GeneDx
Classification: Uncertain significance. Last evaluated: 2022-02-01. Review status: criteria provided, single submitter. Criteria: GeneDx Variant Classification Process June 2021. Collection method: clinical testing. Allele origin: germline. Affected: yes.
Comment: Not observed at significant frequency in large population cohorts (gnomAD); In silico analysis supports that this missense variant has a deleterious effect on protein structure/function; Has not been previously published as pathogenic or benign to our knowledge